The following is an entry in ClinVar:

NM_014712.3(SETD1A):c.247-2A>C

Gene: SETD1A (SET domain containing 1A, histone lysine methyltransferase; plus strand). Cytogenetic location: 16p11.2.
Variant type: single nucleotide variant.
Coding change: c.247-2A>C on transcript NM_014712.3 (MANE Select); the canonical splice acceptor site of the intron before coding-DNA position 247, A replaced by C.
Molecular consequence: splice acceptor variant.
Genome position (GRCh38, 1-based): chr16:30,961,265, A>C. VCF-style: chr16-30961265-A-C. GRCh37 (hg19) VCF-style: chr16-30972586-A-C.
Identifiers: ClinVar variation 2629740 (VCV002629740.1), dbSNP rs2543841132, ClinGen allele CA395647672.

ClinVar aggregate classification (germline): Uncertain significance (1 of 4 stars; one submission).

Conditions:
SETD1A-related disorder. Also called: SETD1A-related condition.

Submission:

PreventionGenetics, part of Exact Sciences
Classification: Uncertain significance for SETD1A-related condition. Last evaluated: 2023-01-21. Review status: criteria provided, single submitter. Criteria: ACMG Guidelines, 2015. Collection method: clinical testing. Allele origin: germline.
Comment: The SETD1A c.247-2A>C variant is predicted to disrupt the AG splice acceptor site and interfere with normal splicing. To our knowledge, this variant has not been reported in the literature or in a large population database, indicating this variant is rare. Although we suspect that this variant may be pathogenic, at this time, the clinical significance of this variant is uncertain due to the absence of conclusive functional and genetic evidence.